The following is an entry in ClinVar:

ClinVar aggregate classification (germline): Uncertain significance (1 of 4 stars; one submission).

Allele frequency attached by ClinVar (database versions not stated): TOPMed 0.00127; 1000 Genomes Project 0.00140; ExAC 0.00038; gnomAD 0.00109 and 0.00117; ESP Exome Variant Server 0.00154; 1000 Genomes Project 30x 0.00172; gnomAD exomes 0.00031.
gnomAD v4.1: 341 of 1,612,948 alleles (0.021%); highest among the groups gnomAD compares: African/African-American, 0.41%; 2 homozygotes.

Submissions (2):

GeneDx
Classification: Uncertain significance. Last evaluated: 2017-04-06. Review status: criteria provided, single submitter. Criteria: GeneDx Variant Classification (06012015). Collection method: clinical testing. Allele origin: germline. Affected: yes.
Comment: The c.73-3C>A variant in the NCF1 gene has not been reported previously as a pathogenic variant nor as a benign variant, to our knowledge. This variant reduces the quality of the splice acceptor site in intron 1, and may cause abnormal gene splicing. However, in the absence of RNA/functional studies, the actual effect of the c.73-3C>A change in this individual is unknown. The c.73-3C>A variant is observed in 44/10212 (0.43%) alleles from individuals of African background in the ExAC dataset, and no individuals were reported to be homozygous (Lek et al., 2016). We interpret c.73-3C>A as a variant of uncertain significance.

Dr. Peter K. Rogan Lab, Western University
No classification provided (evidence only). Condition: Sarcoma. Review status: no classification provided. Collection method: in vitro. Allele origin: not applicable. Functional consequence: retained intron. Not counted in ClinVar's aggregate classification.

NM_000265.7(NCF1):c.73-3C>A

Genes: NCF1 (neutrophil cytosolic factor 1; plus strand), LOC106029312 (Williams-Beuren syndrome medial block B recombination region; plus strand). Cytogenetic location: 7q11.23.
Variant type: single nucleotide variant.
Coding change: c.73-3C>A on transcript NM_000265.7 (MANE Select); 3 bases into the intron before coding-DNA position 73, C replaced by A.
Molecular consequence: intron variant.
Genome position (GRCh38, 1-based): chr7:74,777,264, C>A. VCF-style: chr7-74777264-C-A. GRCh37 (hg19) VCF-style: chr7-74191610-C-A.
Other names: NC_000007.13:g.74191610C>A.
Identifiers: ClinVar variation 426714 (VCV000426714.3), dbSNP rs377305075, ClinGen allele CA4298011.
Genomic context (GRCh38, chr7:74,777,264, plus strand): 5'-GGTGCACACAGCAAAGCCTCTTTGGAGGCTGAATGGGGTCCCCCGACTCTGGCTTTCCCC[C>A]AGGTGTACATGTTCCTGGTGAAATGGCAGGACCTGTCGGAGAAGGTGGTCTACCGGCGCT-3'